The following is an entry in ClinVar:

ClinVar aggregate classification (germline): Pathogenic (1 of 4 stars; one submission).

Conditions:
Sandhoff disease. Also called: HEXOSAMINIDASES A AND B DEFICIENCY; Beta-hexosaminidase-beta-subunit deficiency; GM2 gangliosidosis, type 2; Total hexosaminidase deficiency; Sandhoff-Jatzkewitz-Pilz disease; GM2-GANGLIOSIDOSIS, TYPE II. Identifiers: Orphanet 796, MedGen C0036161, MONDO:0010006, OMIM 268800.

Submission:

Myriad Genetics, Inc.
Classification: Pathogenic for Sandhoff disease. Last evaluated: 2024-07-27. Review status: criteria provided, single submitter. Criteria: Myriad Autosomal Dominant, Autosomal Recessive and X-Linked Classification Criteria (2023). Collection method: clinical testing. Allele origin: unknown.
Comment: NM_000521.3(HEXB):c.923dupC(C309Mfs*4) is expected to be pathogenic in the context of Sandhoff disease. This variant is predicted to lead to an abnormal or absent protein product due to the creation of a premature termination codon in HEXB, a gene where loss-of-function variants are known to be pathogenic. Please note: this variant was assessed in the context of healthy population screening.

NM_000521.4(HEXB):c.923dup (p.Cys309fs)

Gene: HEXB (hexosaminidase subunit beta; plus strand). Cytogenetic location: 5q13.3.
Variant type: Duplication.
Coding change: c.923dup on transcript NM_000521.4 (MANE Select); coding-DNA position 923, one base duplicated (C; older notation c.923dupC).
Protein change: p.Cys309fs; shifts the reading frame from cysteine 309.
Molecular consequence: frameshift variant.
Genome position (GRCh38, 1-based): chr5:74,715,531, C duplicated; the last of 2 consecutive C bases (chr5:74,715,530-74,715,531); duplicating either gives the same sequence. VCF-style (leftmost placement, unchanged base first): chr5-74715529-T-TC. GRCh37 (hg19) VCF-style: chr5-74011354-T-TC.
Other names: c.248dup, p.Cys84fs (NM_001292004.2); short protein forms C309fs, C84fs.
Identifiers: ClinVar variation 5013381 (VCV005013381.1).